The following is an entry in ClinVar:

NM_173354.5(SIK1):c.817C>G (p.Arg273Gly)

Gene: SIK1 (salt inducible kinase 1; minus strand). Cytogenetic location: 21q22.3.
Variant type: single nucleotide variant.
Coding change: c.817C>G on transcript NM_173354.5 (MANE Select); coding-DNA position 817, C replaced by G.
Protein change: p.Arg273Gly; replaces arginine 273 with glycine.
Molecular consequence: missense variant.
Genome position (GRCh38, 1-based): chr21:43,420,389, G>C on the plus strand (C>G on the coding strand, the complement: SIK1 is on the minus strand). VCF-style: chr21-43420389-G-C. GRCh37 (hg19) VCF-style: chr21-44840269-G-C.
Other names: short protein forms R273G.
Identifiers: ClinVar variation 999891 (VCV000999891.9), dbSNP rs768230594, ClinGen allele CA410609344.

ClinVar aggregate classification (germline): Uncertain significance (1 of 4 stars; one submission).

Conditions:
Developmental and epileptic encephalopathy, 30 (DEE30). Also called: Epileptic encephalopathy, early infantile, 30. Identifiers: MedGen C4225360, MONDO:0014595, OMIM 616341.

Submission:

Labcorp Genetics (formerly Invitae), Labcorp
Classification: Uncertain significance for Developmental and epileptic encephalopathy, 30. Last evaluated: 2023-10-13. Review status: criteria provided, single submitter. Criteria: Invitae Variant Classification Sherloc (09022015). Collection method: clinical testing. Allele origin: germline.
Comment: This sequence change replaces arginine, which is basic and polar, with glycine, which is neutral and non-polar, at codon 273 of the SIK1 protein (p.Arg273Gly). This variant is not present in population databases (gnomAD no frequency). This variant has not been reported in the literature in individuals affected with SIK1-related conditions. ClinVar contains an entry for this variant (Variation ID: 999891). Advanced modeling of protein sequence and biophysical properties (such as structural, functional, and spatial information, amino acid conservation, physicochemical variation, residue mobility, and thermodynamic stability) performed at Invitae indicates that this missense variant is expected to disrupt SIK1 protein function. In summary, the available evidence is currently insufficient to determine the role of this variant in disease. Therefore, it has been classified as a Variant of Uncertain Significance.